The following is an entry in ClinVar:

ClinVar aggregate classification (germline): Uncertain significance (1 of 4 stars; one submission).

Conditions:
Cardiovascular phenotype. Identifiers: MedGen CN230736.
Hereditary cancer-predisposing syndrome. Also called: Tumor predisposition; Neoplastic Syndromes, Hereditary; Hereditary Cancer Syndrome; Hereditary neoplastic syndrome. Identifiers: Orphanet 140162, MedGen C0027672, MeSH D009386, MONDO:0015356.

Submission:

Ambry Genetics
Classification: Uncertain significance for Cardiovascular phenotype; Hereditary cancer-predisposing syndrome. Last evaluated: 2024-12-20. Review status: criteria provided, single submitter. Criteria: Ambry Variant Classification Scheme 2023. Collection method: clinical testing. Allele origin: germline.
Comment: The p.Q1777L variant (also known as c.5330A>T), located in coding exon 37 of the NF1 gene, results from an A to T substitution at nucleotide position 5330. The glutamine at codon 1777 is replaced by leucine, an amino acid with dissimilar properties. This amino acid position is conserved. In addition, this alteration is predicted to be deleterious by in silico analysis. Based on the available evidence, the clinical significance of this variant remains unclear.

NM_001042492.3(NF1):c.5393A>T (p.Gln1798Leu)

Gene: NF1 (neurofibromin 1; plus strand). Cytogenetic location: 17q11.2.
Variant type: single nucleotide variant.
Coding change: c.5393A>T on transcript NM_001042492.3 (MANE Select); coding-DNA position 5393, A replaced by T.
Protein change: p.Gln1798Leu; replaces glutamine 1798 with leucine.
Molecular consequence: missense variant.
Genome position (GRCh38, 1-based): chr17:31,327,623, A>T. VCF-style: chr17-31327623-A-T. GRCh37 (hg19) VCF-style: chr17-29654641-A-T.
Other names: c.5330A>T, p.Gln1777Leu (NM_000267.4); short protein forms Q1798L, Q1777L.
Identifiers: ClinVar variation 3879015 (VCV003879015.1).
Genomic context (GRCh38, chr17:31,327,623, plus strand): 5'-TTCTAAATGACATTTATTATGCTTCGGAAATTGAAGAAATCTGCCTAGTAGATGAGAACC[A>T]GTTCACCTTAACCATTGCAAACCAGGGCACGCCGCTCACCTTCATGCACCAGGAGTGTGA-3'
Protein context (NP_001035957.1, residues 1788-1808): IEEICLVDEN[Gln1798Leu]FTLTIANQGT